The following is an entry in ClinVar:

NM_000219.6(KCNE1):c.206A>C (p.Lys69Thr)

Gene: KCNE1 (potassium voltage-gated channel subfamily E regulatory subunit 1; minus strand). Cytogenetic location: 21q22.12.
Variant type: single nucleotide variant.
Coding change: c.206A>C on transcript NM_000219.6 (MANE Select); coding-DNA position 206, A replaced by C.
Protein change: p.Lys69Thr; replaces lysine 69 with threonine.
Molecular consequence: missense variant.
Genome position (GRCh38, 1-based): chr21:34,449,429, T>G on the plus strand (A>C on the coding strand, the complement: KCNE1 is on the minus strand). VCF-style: chr21-34449429-T-G. GRCh37 (hg19) VCF-style: chr21-35821727-T-G.
Other names: c.206A>C, p.Lys69Thr (NM_001127668.4, NM_001127669.4, NM_001127670.4 and 4 more transcripts); short protein forms K69T.
Identifiers: ClinVar variation 3374328 (VCV003374328.2).

Conditions:
Long QT syndrome 5 (LQT5). Identifiers: Orphanet 101016, Orphanet 768, MedGen C1867904, MONDO:0013372, OMIM 613695.

Submission:

Roden Lab, Vanderbilt University Medical Center
No classification provided (evidence only). Condition: Long QT syndrome 5. Review status: no classification provided. Collection method: in vitro. Allele origin: not applicable. Functional consequence: Effect on ion channel function.
ClinVar note: "not provided" was previously submitted as the classification for the variant. However, the classification appeared to be based only on an observation of functional data so it was converted to no classification on 2025-07-30.